The following is an entry in ClinVar:

ClinVar aggregate classification (germline): Uncertain significance (1 of 4 stars; one submission).

Conditions:
KMT2D-related disorder. Also called: KMT2D-Related Disorders.

Submission:

PreventionGenetics, part of Exact Sciences
Classification: Uncertain significance for KMT2D-related condition. Last evaluated: 2025-09-26. Review status: criteria provided, single submitter. Criteria: ACMG Guidelines, 2015. Collection method: clinical testing. Allele origin: germline.
Comment: The KMT2D c.14474G>C variant is predicted to result in the amino acid substitution p.Arg4825Pro. To our knowledge, this variant has not been reported in the literature or in a large population database (gnomAD), indicating this variant is rare. At this time, the clinical significance of this variant is uncertain due to the absence of conclusive functional and genetic evidence.

NM_003482.4(KMT2D):c.14474G>C (p.Arg4825Pro)

Gene: KMT2D (lysine methyltransferase 2D; minus strand). Cytogenetic location: 12q13.12.
Variant type: single nucleotide variant.
Coding change: c.14474G>C on transcript NM_003482.4 (MANE Select); coding-DNA position 14474, G replaced by C.
Protein change: p.Arg4825Pro; replaces arginine 4825 with proline.
Molecular consequence: missense variant.
Genome position (GRCh38, 1-based): chr12:49,028,050, C>G on the plus strand (G>C on the coding strand, the complement: KMT2D is on the minus strand). VCF-style: chr12-49028050-C-G. GRCh37 (hg19) VCF-style: chr12-49421833-C-G.
Other names: short protein forms R4825P.
Identifiers: ClinVar variation 4991485 (VCV004991485.1).
Genomic context (GRCh38, chr12:49,028,050, plus strand): 5'-GCTTCCCTGCCACACTCACCAGGACCCTCAGCTTCCCCCTTCTTTGGCTCAGTGCCTGCC[C>G]GGGCGGGGCTCTCTGGGAACAGCACCTCATAGGAGTTGGGGATCTTCATGCTCAGCAGCT-3'
Protein context (NP_003473.3, residues 4815-4835): YEVLFPESPA[Arg4825Pro]AGTEPKKGEA